The following is an entry in ClinVar:

ClinVar aggregate classification (germline): Benign. Review status: criteria provided, multiple submitters, no conflicts (2 of 4 stars). 2 submissions from 2 submitters: Benign (2). Last evaluated 2024-07-31.

Submissions (2):

Unidad de Genómica Garrahan, Hospital de Pediatría Garrahan
Classification: Benign. Last evaluated: 2024-07-31. Review status: criteria provided, single submitter. Criteria: ACMG Guidelines, 2015. Collection method: clinical testing. Allele origin: germline. Affected: no. Observed: 34 variant alleles.
Comment: This variant is classified as Benign based on local population frequency. This variant was detected in 37% of patients studied in a panel designed for Epileptic and Developmental Encephalopathy, Progressive Myoclonus Epilepsy and Abnormal Movements and Neurodegeneration with brain iron accumulation. Number of patients: 34. Only high quality variants are reported.

GeneDx
Classification: Benign. Last evaluated: 2018-06-26. Review status: criteria provided, single submitter. Criteria: GeneDx Variant Classification Process June 2021. Collection method: clinical testing. Allele origin: germline. Affected: yes.

NM_001605.3(AARS1):c.1992+83_1992+84del

Gene: AARS1 (alanyl-tRNA synthetase 1; minus strand). Cytogenetic location: 16q22.1.
Variant type: Microsatellite.
Coding change: c.1992+83_1992+84del on transcript NM_001605.3 (MANE Select); bases 83 to 84 of the intron after coding-DNA position 1992, 2 bases deleted (CT; older notation c.1992+83_1992+84delCT).
Molecular consequence: intron variant.
Genome position (GRCh38, 1-based): chr16:70,258,896-70,258,897, AG deleted on the plus strand (CT on the coding strand, the reverse complement: AARS1 is on the minus strand); deleting any 2 consecutive bases within chr16:70,258,896-70,258,899 gives the same sequence; the c. name uses the placement nearest the transcript's 3' end. VCF-style (leftmost placement, unchanged base first): chr16-70258895-CAG-C. GRCh37 (hg19) VCF-style: chr16-70292798-CAG-C.
Identifiers: ClinVar variation 1250942 (VCV001250942.4), dbSNP rs34846578, ClinGen allele CA283430096.
Genomic context (GRCh38, chr16:70,258,895, plus strand): 5'-GTGAGCTACCGTGCCCAGCCTGCTTTAAGCAAATCTACGTGCAGGACGAATCTGATACAA[CAG>C]AGTGAGAGCACCGCACTGCTAAGACTGTGGACAGACAGTGACGGTGTGGGGAGGGGGGGC-3'